The following is an entry in ClinVar:

NM_021942.6(TRAPPC11):c.404T>A (p.Val135Asp)

Gene: TRAPPC11 (trafficking protein particle complex subunit 11; plus strand). Cytogenetic location: 4q35.1.
Variant type: single nucleotide variant.
Coding change: c.404T>A on transcript NM_021942.6 (MANE Select); coding-DNA position 404, T replaced by A.
Protein change: p.Val135Asp; replaces valine 135 with aspartic acid.
Molecular consequence: missense variant.
Genome position (GRCh38, 1-based): chr4:183,667,089, T>A. VCF-style: chr4-183667089-T-A. GRCh37 (hg19) VCF-style: chr4-184588242-T-A.
Other names: c.404T>A, p.Val135Asp (NM_199053.3); short protein forms V135D.
Identifiers: ClinVar variation 1196099 (VCV001196099.12), dbSNP rs141880154, ClinGen allele CA3151571.

ClinVar aggregate classification (germline): Conflicting classifications of pathogenicity. Review status: criteria provided, conflicting classifications (1 of 4 stars). 2 submissions from 2 submitters: Likely pathogenic (1); Uncertain significance (1). Last evaluated 2025-04-11.

Conditions:
Autosomal recessive limb-girdle muscular dystrophy type R18 (LGMDR18). Also called: Limb-girdle muscular dystrophy, type 2S; Autosomal recessive limb-girdle muscular dystrophy type 2S; MUSCULAR DYSTROPHY, LIMB-GIRDLE, AUTOSOMAL RECESSIVE 18. Identifiers: Orphanet 369840, MedGen C4517996, MONDO:0014144, OMIM 615356.

Allele frequency attached by ClinVar (database versions not stated): ExAC 0.00001; gnomAD exomes 0.00003 and 0.00006; TOPMed 0.00003; gnomAD 0.00004; ESP Exome Variant Server 0.00008.
gnomAD v4.1: 104 of 1,603,650 alleles (0.0065%); highest among the groups gnomAD compares: Non-Finnish European, 0.0078%; no homozygotes.

Submissions (2):

GeneDx
Classification: Likely pathogenic. Last evaluated: 2025-04-11. Review status: criteria provided, single submitter. Criteria: GeneDx Variant Classification Process June 2021. Collection method: clinical testing. Allele origin: germline. Affected: yes.
Comment: Not observed at significant frequency in large population cohorts (gnomAD); In silico analysis supports that this missense variant has a deleterious effect on protein structure/function; Has not been previously published as pathogenic or benign to our knowledge

Labcorp Genetics (formerly Invitae), Labcorp
Classification: Uncertain significance for Autosomal recessive limb-girdle muscular dystrophy type R18. Last evaluated: 2023-06-30. Review status: criteria provided, single submitter. Criteria: Invitae Variant Classification Sherloc (09022015). Collection method: clinical testing. Allele origin: germline.
Comment: This sequence change replaces valine, which is neutral and non-polar, with aspartic acid, which is acidic and polar, at codon 135 of the TRAPPC11 protein (p.Val135Asp). This variant is present in population databases (rs141880154, gnomAD 0.005%). This variant has not been reported in the literature in individuals affected with TRAPPC11-related conditions. ClinVar contains an entry for this variant (Variation ID: 1196099). Advanced modeling of protein sequence and biophysical properties (such as structural, functional, and spatial information, amino acid conservation, physicochemical variation, residue mobility, and thermodynamic stability) performed at Invitae indicates that this missense variant is expected to disrupt TRAPPC11 protein function. In summary, the available evidence is currently insufficient to determine the role of this variant in disease. Therefore, it has been classified as a Variant of Uncertain Significance.